The following is an entry in ClinVar:

ClinVar aggregate classification (germline): Uncertain significance (1 of 4 stars; one submission).

Conditions:
Emery-Dreifuss muscular dystrophy 4, autosomal dominant (EDMD4). Also called: EMERY-DREIFUSS MUSCULAR DYSTROPHY 4 WITH VARIABLE FEATURES. Identifiers: Orphanet 261, MedGen C2751807, MONDO:0013071, OMIM 612998.
Autosomal recessive ataxia, Beauce type. Also called: Spinocerebellar ataxia, autosomal recessive 8; ATAXIA, RECESSIVE, OF BEAUCE; SYNE1-Related Autosomal Recessive Cerebellar Ataxia; SYNE1 Deficiency. Identifiers: Orphanet 88644, MedGen C1853116, MONDO:0012549, OMIM 610743.

Allele frequency attached by ClinVar (database versions not stated): TOPMed 0.00001; gnomAD exomes 0.00003; ExAC 0.00005.
gnomAD v4.1: 43 of 1,614,046 alleles (0.0027%); highest among the groups gnomAD compares: Non-Finnish European, 0.0031%; no homozygotes.

Submission:

Labcorp Genetics (formerly Invitae), Labcorp
Classification: Uncertain significance for Emery-Dreifuss muscular dystrophy 4, autosomal dominant; Autosomal recessive ataxia, Beauce type. Last evaluated: 2022-12-20. Review status: criteria provided, single submitter. Criteria: Invitae Variant Classification Sherloc (09022015). Collection method: clinical testing. Allele origin: germline.
Comment: In summary, the available evidence is currently insufficient to determine the role of this variant in disease. Therefore, it has been classified as a Variant of Uncertain Significance. Algorithms developed to predict the effect of missense changes on protein structure and function (SIFT, PolyPhen-2, Align-GVGD) all suggest that this variant is likely to be disruptive. This variant has not been reported in the literature in individuals affected with SYNE1-related conditions. This variant is present in population databases (rs748231030, gnomAD 0.006%). This sequence change replaces arginine, which is basic and polar, with cysteine, which is neutral and slightly polar, at codon 5893 of the SYNE1 protein (p.Arg5893Cys).

NM_182961.4(SYNE1):c.17890C>T (p.Arg5964Cys)

Gene: SYNE1 (spectrin repeat containing nuclear envelope protein 1; minus strand). Cytogenetic location: 6q25.2.
Variant type: single nucleotide variant.
Coding change: c.17890C>T on transcript NM_182961.4 (MANE Select); coding-DNA position 17890, C replaced by T.
Protein change: p.Arg5964Cys; replaces arginine 5964 with cysteine.
Molecular consequence: missense variant.
Genome position (GRCh38, 1-based): chr6:152,293,710, G>A on the plus strand (C>T on the coding strand, the complement: SYNE1 is on the minus strand). VCF-style: chr6-152293710-G-A. GRCh37 (hg19) VCF-style: chr6-152614845-G-A.
Other names: c.17677C>T, p.Arg5893Cys (NM_033071.5); short protein forms R5893C, R5964C.
Identifiers: ClinVar variation 2183054 (VCV002183054.4), dbSNP rs748231030, ClinGen allele CA4055100.